The following is an entry in ClinVar:

NM_001330074.2(WASHC2C):c.1563C>T (p.Tyr521=)

Gene: WASHC2C (WASH complex subunit 2C; plus strand). Cytogenetic location: 10q11.22.
Variant type: single nucleotide variant.
Coding change: c.1563C>T on transcript NM_001330074.2 (MANE Select); coding-DNA position 1563, C replaced by T.
Protein change: p.Tyr521=; no amino-acid change (tyrosine 521 retained).
Molecular consequence: synonymous variant. On other transcripts: 5 prime UTR variant (1), non-coding transcript variant (1), intron variant (1).
Genome position (GRCh38, 1-based): chr10:45,759,329, C>T. VCF-style: chr10-45759329-C-T. GRCh37 (hg19) VCF-style: chr10-46254777-C-T.
Other names: c.1563C>T, p.Tyr521= (NM_001169106.2, NM_001367397.1, NM_001367408.1 and 2 more transcripts); c.1491C>T, p.Tyr497= (NM_001169107.2, NM_001367394.1, NM_001367395.1 and 4 more transcripts); c.1557C>T, p.Tyr519= (NM_001367393.1); c.912C>T, p.Tyr304= (NM_001367398.1); c.1299C>T, p.Tyr433= (NM_001367399.1, NM_001367410.1); c.984C>T, p.Tyr328= (NM_001367402.1, NM_001367405.1, NM_001367407.1 and 2 more transcripts); c.1404C>T, p.Tyr468= (NM_001367404.1); c.-158C>T (NM_001367406.1); and 3 more.
Identifiers: ClinVar variation 2640427 (VCV002640427.24), dbSNP rs782310410, ClinGen allele CA5482983.

ClinVar aggregate classification (germline): Likely benign (1 of 4 stars; one submission).

Allele frequency attached by ClinVar (database versions not stated): ExAC 0.00002.

Submission:

CeGaT Center for Human Genetics Tuebingen
Classification: Likely benign. Last evaluated: 2023-02-01. Review status: criteria provided, single submitter. Criteria: CeGaT Center For Human Genetics Tuebingen Variant Classification Criteria Version 2. Collection method: clinical testing. Allele origin: germline. Affected: yes. Observed: 1 variant allele.
Comment: WASHC2C: BP4, BP7